The following is an entry in ClinVar:

NM_002208.5(ITGAE):c.2871C>T (p.His957=)

Gene: ITGAE (integrin subunit alpha E; minus strand). Cytogenetic location: 17p13.2.
Variant type: single nucleotide variant.
Coding change: c.2871C>T on transcript NM_002208.5 (MANE Select); coding-DNA position 2871, C replaced by T.
Protein change: p.His957=; no amino-acid change (histidine 957 retained).
Molecular consequence: synonymous variant.
Genome position (GRCh38, 1-based): chr17:3,729,519, G>A on the plus strand (C>T on the coding strand, the complement: ITGAE is on the minus strand). VCF-style: chr17-3729519-G-A. GRCh37 (hg19) VCF-style: chr17-3632813-G-A.
Identifiers: ClinVar variation 2647237 (VCV002647237.24), dbSNP rs117671372, ClinGen allele CA8293761.

ClinVar aggregate classification (germline): Likely benign (1 of 4 stars; one submission).

Allele frequency attached by ClinVar (database versions not stated): 1000 Genomes Project 0.00100; 1000 Genomes Project 30x 0.00109; TOPMed 0.00142; gnomAD 0.00155; ESP Exome Variant Server 0.00169.
gnomAD v4.1: 3,359 of 1,611,514 alleles (0.21%); highest among the groups gnomAD compares: Non-Finnish European, 0.26%; 6 homozygotes.

Submission:

CeGaT Center for Human Genetics Tuebingen
Classification: Likely benign. Last evaluated: 2026-02-01. Review status: criteria provided, single submitter. Criteria: CeGaT Center For Human Genetics Tuebingen Variant Classification Criteria Version 2. Collection method: clinical testing. Allele origin: germline. Affected: yes. Observed: 2 variant alleles.
Comment: ITGAE: BP7